The following is an entry in ClinVar:

NM_133433.4(NIPBL):c.7489G>A (p.Val2497Ile)

Gene: NIPBL (NIPBL cohesin loading factor; plus strand). Cytogenetic location: 5p13.2.
Variant type: single nucleotide variant.
Coding change: c.7489G>A on transcript NM_133433.4 (MANE Select); coding-DNA position 7489, G replaced by A.
Protein change: p.Val2497Ile; replaces valine 2497 with isoleucine.
Molecular consequence: missense variant.
Genome position (GRCh38, 1-based): chr5:37,058,969, G>A. VCF-style: chr5-37058969-G-A. GRCh37 (hg19) VCF-style: chr5-37059071-G-A.
Other names: c.7489G>A, p.Val2497Ile (NM_015384.5); short protein forms V2497I.
Identifiers: ClinVar variation 3384740 (VCV003384740.2).
Genomic context (GRCh38, chr5:37,058,969, plus strand): 5'-AGGAAAGAGAGAAAATCATCACCTAGTAAGGAAAATGAGTCAAGCGACAGTGAAGAAGAA[G>A]TTTCCAGGCCTCGGAAGTCACGGAAACGTGTAGATTCAGATTCAGATTCAGATTCAGAAG-3'
Protein context (NP_597677.2, residues 2487-2507): ENESSDSEEE[Val2497Ile]SRPRKSRKRV

ClinVar aggregate classification (germline): Uncertain significance. Review status: criteria provided, multiple submitters, no conflicts (2 of 4 stars). 2 submissions from 2 submitters: Uncertain significance (2). Last evaluated 2024-10-11.

Conditions:
Cornelia de Lange syndrome 1 (CDLS1). Also called: TYPUS DEGENERATIVUS AMSTELODAMENSIS; Brachmann de Lange syndrome; NIPBL-Related Cornelia de Lange Syndrome. Identifiers: Orphanet 199, MedGen C4551851, MONDO:0007387, OMIM 122470.

gnomAD v4.1: 2 of 1,614,228 alleles (0.00012%); highest among the groups gnomAD compares: African/African-American, 0.0027%; no homozygotes.

Submissions (2):

Women's Health and Genetics/Laboratory Corporation of America, LabCorp
Classification: Uncertain significance. Last evaluated: 2024-10-11. Review status: criteria provided, single submitter. Criteria: LabCorp Variant Classification Summary - May 2015. Collection method: clinical testing. Allele origin: germline.
Comment: Variant summary: NIPBL c.7489G>A (p.Val2497Ile) results in a conservative amino acid change in the encoded protein sequence. Three of five in-silico tools predict a benign effect of the variant on protein function. The variant was absent in 249010 control chromosomes. The available data on variant occurrences in the general population are insufficient to allow any conclusion about variant significance. To our knowledge, no occurrence of c.7489G>A in individuals affected with Cornelia De Lange Syndrome 1 and no experimental evidence demonstrating its impact on protein function have been reported. No submitters have cited clinical-significance assessments for this variant to ClinVar. Based on the evidence outlined above, the variant was classified as uncertain significance.

Fulgent Genetics
Classification: Uncertain significance for Cornelia de Lange syndrome 1. Last evaluated: 2024-03-26. Review status: criteria provided, single submitter. Criteria: ACMG Guidelines, 2015. Collection method: clinical testing. Allele origin: germline.